The following is an entry in ClinVar:

NM_024422.6(DSC2):c.596G>A (p.Arg199His)

Gene: DSC2 (desmocollin 2; minus strand). Cytogenetic location: 18q12.1.
Variant type: single nucleotide variant.
Coding change: c.596G>A on transcript NM_024422.6 (MANE Select); coding-DNA position 596, G replaced by A.
Protein change: p.Arg199His; replaces arginine 199 with histidine.
Molecular consequence: missense variant.
Genome position (GRCh38, 1-based): chr18:31,089,473, C>T on the plus strand (G>A on the coding strand, the complement: DSC2 is on the minus strand). VCF-style: chr18-31089473-C-T. GRCh37 (hg19) VCF-style: chr18-28669436-C-T.
Other names: p.Arg199His; c.596G>A, p.Arg199His (NM_004949.5); short protein forms R199H.
Identifiers: ClinVar variation 574365 (VCV000574365.18), dbSNP rs374707462, ClinGen allele CA038896.

ClinVar aggregate classification (germline): Conflicting classifications of pathogenicity. Review status: criteria provided, conflicting classifications (1 of 4 stars). 8 submissions from 8 submitters: Uncertain significance (6); Likely benign (1). 1 of the submissions does not count toward it. Last evaluated 2026-01-27.

Conditions:
Cardiovascular phenotype. Identifiers: MedGen CN230736.
Arrhythmogenic right ventricular dysplasia 11. Also called: Arrhythmogenic right ventricular dysplasia 11 with mild palmoplantar keratoderma and woolly hair; Arrhythmogenic Right Ventricular Dysplasia/Cardiomyopathy11; ARRHYTHMOGENIC RIGHT VENTRICULAR DYSPLASIA, FAMILIAL, 11. Identifiers: MedGen C1864850, MONDO:0012506, OMIM 610476.
DSC2-related disorder. Also called: DSC2-related condition.
Cardiomyopathy (CMYO). Also called: Cardiomyopathies. Identifiers: Orphanet 167848, MedGen C0878544, MONDO:0004994, HP:0001638. Inheritance: Various modes of inheritance.
Familial isolated arrhythmogenic right ventricular dysplasia. Identifiers: Orphanet 217656, MedGen C4274968, MONDO:0016342.

Allele frequency attached by ClinVar (database versions not stated): ExAC 0.00002; gnomAD exomes 0.00002 and 0.00004; gnomAD 0.00007 and 0.00008; TOPMed 0.00007; ESP Exome Variant Server 0.00008.
gnomAD v4.1: 76 of 1,613,698 alleles (0.0047%); highest among the groups gnomAD compares: East Asian, 0.018%; 1 homozygote.

Submissions (8):

Labcorp Genetics (formerly Invitae), Labcorp
Classification: Uncertain significance for Arrhythmogenic right ventricular dysplasia 11. Last evaluated: 2026-01-27. Review status: criteria provided, single submitter. Criteria: Invitae Variant Classification Sherloc (09022015). Collection method: clinical testing. Allele origin: germline.
Comment: This sequence change replaces arginine, which is basic and polar, with histidine, which is basic and polar, at codon 199 of the DSC2 protein (p.Arg199His). This variant is present in population databases (rs374707462, gnomAD 0.01%). This variant has not been reported in the literature in individuals affected with DSC2-related conditions. ClinVar contains an entry for this variant (Variation ID: 574365). Invitae Evidence Modeling of protein sequence and biophysical properties (such as structural, functional, and spatial information, amino acid conservation, physicochemical variation, residue mobility, and thermodynamic stability) indicates that this missense variant is not expected to disrupt DSC2 protein function with a negative predictive value of 80%. In summary, the available evidence is currently insufficient to determine the role of this variant in disease. Therefore, it has been classified as a Variant of Uncertain Significance.

Mayo Clinic Laboratories, Mayo Clinic
Classification: Uncertain significance. Last evaluated: 2025-06-06. Review status: criteria provided, single submitter. Criteria: ACMG Guidelines, 2015. Collection method: clinical testing. Allele origin: germline. Observed: 1 variant allele.
Comment: BP4_moderate

All of Us Research Program, National Institutes of Health
Classification: Uncertain significance for Familial isolated arrhythmogenic right ventricular dysplasia. Last evaluated: 2024-09-23. Review status: criteria provided, single submitter. Criteria: ACMG Guidelines, 2015. Collection method: clinical testing. Allele origin: germline. Inheritance: Autosomal dominant inheritance. Observed: 17 variant alleles, 17 heterozygotes.
Comment: This missense variant replaces arginine with histidine at codon 199 of the DSC2 protein. Computational prediction suggests that this variant may not impact protein structure and function (internally defined REVEL score threshold <= 0.5, PMID: 27666373). To our knowledge, functional studies have not been performed for this variant. This variant has not been reported in individuals affected with cardiovascular disorders in the literature. This variant has been identified in 7/282772 chromosomes in the general population by the Genome Aggregation Database (gnomAD). The available evidence is insufficient to determine the role of this variant in disease conclusively. Therefore, this variant is classified as a Variant of Uncertain Significance.

This study involves interpretation of variants in research participants for the purpose of population health screening. Participant phenotype was not available at the time of variant classification. Additional details can be found in publication PMID: 35346344, PMCID: PMC8962531

Blueprint Genetics
Classification: Uncertain significance. Last evaluated: 2024-06-13. Review status: criteria provided, single submitter. Criteria: ACMG Guidelines, 2015. Collection method: clinical testing. Allele origin: germline.

Color Diagnostics, LLC DBA Color Health
Classification: Uncertain significance for Cardiomyopathy. Last evaluated: 2024-05-20. Review status: criteria provided, single submitter. Criteria: ACMG Guidelines, 2015. Collection method: clinical testing. Allele origin: germline.
Comment: This missense variant replaces arginine with histidine at codon 199 of the DSC2 protein. Computational prediction suggests that this variant may not impact protein structure and function (internally defined REVEL score threshold <= 0.5, PMID: 27666373). To our knowledge, functional studies have not been reported for this variant. This variant has not been reported in individuals affected with DSC2-related disorders in the literature. This variant has been identified in 7/282772 chromosomes in the general population by the Genome Aggregation Database (gnomAD). The available evidence is insufficient to determine the role of this variant in disease conclusively. Therefore, this variant is classified as a Variant of Uncertain Significance.

Ambry Genetics
Classification: Likely benign for Cardiovascular phenotype. Last evaluated: 2024-01-17. Review status: criteria provided, single submitter. Criteria: Ambry Variant Classification Scheme 2023. Collection method: clinical testing. Allele origin: germline.

Fulgent Genetics
Classification: Uncertain significance for Arrhythmogenic right ventricular dysplasia 11. Last evaluated: 2021-07-20. Review status: criteria provided, single submitter. Criteria: ACMG Guidelines, 2015. Collection method: clinical testing. Allele origin: unknown.

PreventionGenetics, part of Exact Sciences
Classification: Uncertain significance for DSC2-related condition. Last evaluated: 2024-07-08. Review status: no assertion criteria provided. Collection method: clinical testing. Allele origin: germline. Not counted in ClinVar's aggregate classification.
Comment: The DSC2 c.596G>A variant is predicted to result in the amino acid substitution p.Arg199His. To our knowledge, this variant has not been reported in the literature. This variant is reported in 0.012% of alleles in individuals of African descent in gnomAD. At this time, the clinical significance of this variant is uncertain due to the absence of conclusive functional and genetic evidence.

Literature cited by the submitters: PubMed 28798025 (cited by Ambry Genetics).